The following is an entry in ClinVar:

ClinVar aggregate classification (germline): Likely pathogenic (1 of 4 stars; one submission).

Conditions:
Maple syrup urine disease (MSUD). Identifiers: Orphanet 511, MedGen C0024776, MeSH D008375, MONDO:0009563. Disease mechanism: loss of function.

Submission:

Labcorp Genetics (formerly Invitae), Labcorp
Classification: Likely pathogenic for Maple syrup urine disease. Last evaluated: 2018-04-18. Review status: criteria provided, single submitter. Criteria: Invitae Variant Classification Sherloc (09022015). Collection method: clinical testing. Allele origin: germline.
Comment: This variant has been observed as homozygous in an individual with biochemical findings that are highly specific for Maple Syrup Urine Disease (Invitae). In summary, the currently available evidence indicates that the variant is pathogenic, but additional data are needed to prove that conclusively. Therefore, this variant has been classified as Likely Pathogenic. This sequence change falls in intron 1 of the BCKDHA gene. It does not directly change the encoded amino acid sequence of the BCKDHA protein, but it affects a nucleotide within the consensus splice site of the intron. This variant is not present in population databases (ExAC no frequency). Nucleotide substitutions within the consensus splice site are a relatively common cause of aberrant splicing (PMID: 17576681, 9536098). Algorithms developed to predict the effect of sequence changes on RNA splicing suggest that this variant may disrupt the consensus splice site, but this prediction has not been confirmed by published transcriptional studies.

Literature cited by the submitters: PubMed 17576681; PubMed 9536098.

NM_000709.4(BCKDHA):c.108+5G>C

Gene: BCKDHA (branched chain keto acid dehydrogenase E1 subunit alpha; plus strand). Cytogenetic location: 19q13.2.
Variant type: single nucleotide variant.
Coding change: c.108+5G>C on transcript NM_000709.4 (MANE Select); 5 bases into the intron after coding-DNA position 108, G replaced by C.
Molecular consequence: intron variant.
Genome position (GRCh38, 1-based): chr19:41,397,940, G>C. VCF-style: chr19-41397940-G-C. GRCh37 (hg19) VCF-style: chr19-41903845-G-C.
Other names: c.108+5G>C (NM_001164783.2).
Identifiers: ClinVar variation 573260 (VCV000573260.8), dbSNP rs1568499702, ClinGen allele CA891843543.